The following is an entry in ClinVar:

NM_052947.4(ALPK2):c.6368A>G (p.Lys2123Arg)

Gene: ALPK2 (alpha kinase 2; minus strand). Cytogenetic location: 18q21.31.
Variant type: single nucleotide variant.
Coding change: c.6368A>G on transcript NM_052947.4 (MANE Select); coding-DNA position 6368, A replaced by G.
Protein change: p.Lys2123Arg; replaces lysine 2123 with arginine.
Molecular consequence: missense variant.
Genome position (GRCh38, 1-based): chr18:58,481,968, T>C on the plus strand (A>G on the coding strand, the complement: ALPK2 is on the minus strand). VCF-style: chr18-58481968-T-C. GRCh37 (hg19) VCF-style: chr18-56149200-T-C.
Other names: short protein forms K2123R.
Identifiers: ClinVar variation 3228855 (VCV003228855.1), dbSNP rs2518842727, ClinGen allele CA402538645.

ClinVar aggregate classification (germline): Uncertain significance (1 of 4 stars; one submission).

Submission:

Ambry Genetics
Classification: Uncertain significance. Last evaluated: 2023-12-29. Review status: criteria provided, single submitter. Criteria: Ambry Variant Classification Scheme 2023. Collection method: clinical testing. Allele origin: germline.
Comment: The p.K2123R variant (also known as c.6368A>G), located in coding exon 12 of the ALPK2 gene, results from an A to G substitution at nucleotide position 6368. The lysine at codon 2123 is replaced by arginine, an amino acid with highly similar properties. This amino acid position is conserved. In addition, this alteration is predicted to be tolerated by in silico analysis. Since supporting evidence is limited at this time, the clinical significance of this alteration remains unclear.